The following is an entry in ClinVar:

ClinVar aggregate classification (germline): Uncertain significance. Review status: criteria provided, multiple submitters, no conflicts (2 of 4 stars). 2 submissions from 2 submitters: Uncertain significance (2). Last evaluated 2025-01-21.

Conditions:
Nephronophthisis 14 (NPHP14). Identifiers: Orphanet 2318, MedGen C3539071, MONDO:0013916, OMIM 614844.

Allele frequency attached by ClinVar (database versions not stated): gnomAD exomes 0.00001; gnomAD 0.00003; TOPMed 0.00004.
gnomAD v4.1: 24 of 1,612,770 alleles (0.0015%); highest among the groups gnomAD compares: South Asian, 0.0055%; no homozygotes.

Submissions (2):

Labcorp Genetics (formerly Invitae), Labcorp
Classification: Uncertain significance for Nephronophthisis 14. Last evaluated: 2025-01-21. Review status: criteria provided, single submitter. Criteria: Invitae Variant Classification Sherloc (09022015). Collection method: clinical testing. Allele origin: germline.
Comment: This sequence change replaces valine, which is neutral and non-polar, with isoleucine, which is neutral and non-polar, at codon 934 of the ZNF423 protein (p.Val934Ile). This variant is present in population databases (no rsID available, gnomAD 0.007%). This variant has not been reported in the literature in individuals affected with ZNF423-related conditions. ClinVar contains an entry for this variant (Variation ID: 2039596). Invitae Evidence Modeling of protein sequence and biophysical properties (such as structural, functional, and spatial information, amino acid conservation, physicochemical variation, residue mobility, and thermodynamic stability) indicates that this missense variant is not expected to disrupt ZNF423 protein function with a negative predictive value of 80%. In summary, the available evidence is currently insufficient to determine the role of this variant in disease. Therefore, it has been classified as a Variant of Uncertain Significance.

Blueprint Genetics
Classification: Uncertain significance. Last evaluated: 2021-10-18. Review status: criteria provided, single submitter. Criteria: ACMG Guidelines, 2015. Collection method: clinical testing. Allele origin: germline.

NM_001379286.1(ZNF423):c.2824G>A (p.Val942Ile)

Gene: ZNF423 (zinc finger protein 423; minus strand). Cytogenetic location: 16q12.1.
Variant type: single nucleotide variant.
Coding change: c.2824G>A on transcript NM_001379286.1 (MANE Select); coding-DNA position 2824, G replaced by A.
Protein change: p.Val942Ile; replaces valine 942 with isoleucine.
Molecular consequence: missense variant.
Genome position (GRCh38, 1-based): chr16:49,636,352, C>T on the plus strand (G>A on the coding strand, the complement: ZNF423 is on the minus strand). VCF-style: chr16-49636352-C-T. GRCh37 (hg19) VCF-style: chr16-49670263-C-T.
Other names: c.2620G>A, p.Val874Ile (NM_001271620.2); c.2449G>A, p.Val817Ile (NM_001330533.2); c.2800G>A, p.Val934Ile (NM_015069.5); short protein forms V942I, V817I, V874I, V934I.
Identifiers: ClinVar variation 2039596 (VCV002039596.4), dbSNP rs992390167, ClinGen allele CA281211279.
Genomic context (GRCh38, chr16:49,636,352, plus strand): 5'-CCCGGTGCGTCTGCAGGTGCTCCCGTAGCCCGTTCTCCGAGAAGAAAGTCCGTGAACAAA[C>T]GTTGCACTTGTGACTGCCCTTGATAAACTCAGCCTTCTTGCGTGAGCCATCATCCTCGCC-3'
Protein context (NP_001366215.1, residues 932-952): EFIKGSHKCN[Val942Ile]CSRTFFSENG